The following is an entry in ClinVar:

NM_000156.6(GAMT):c.278A>T (p.Asp93Val)

Gene: GAMT (guanidinoacetate N-methyltransferase; minus strand). Cytogenetic location: 19p13.3.
Variant type: single nucleotide variant.
Coding change: c.278A>T on transcript NM_000156.6 (MANE Select); coding-DNA position 278, A replaced by T.
Protein change: p.Asp93Val; replaces aspartic acid 93 with valine.
Molecular consequence: missense variant.
Genome position (GRCh38, 1-based): chr19:1,399,842, T>A on the plus strand (A>T on the coding strand, the complement: GAMT is on the minus strand). VCF-style: chr19-1399842-T-A. GRCh37 (hg19) VCF-style: chr19-1399841-T-A.
Other names: c.278A>T, p.Asp93Val (NM_138924.3); short protein forms D93V.
Identifiers: ClinVar variation 1960098 (VCV001960098.5), dbSNP rs1283430129, ClinGen allele CA402996396.

ClinVar aggregate classification (germline): Uncertain significance (1 of 4 stars; one submission).

Conditions:
Cerebral creatine deficiency syndrome. Also called: Creatine deficiency syndromes. Identifiers: Orphanet 79172, MedGen C5244016, MONDO:0000456.

Allele frequency attached by ClinVar (database versions not stated): gnomAD 0.00001; TOPMed 0.00001.
gnomAD v4.1: 1 of 1,595,256 alleles (0.000063%); highest among the groups gnomAD compares: African/African-American, 0.0013%; no homozygotes.

Submission:

Labcorp Genetics (formerly Invitae), Labcorp
Classification: Uncertain significance for Cerebral creatine deficiency syndrome. Last evaluated: 2023-08-24. Review status: criteria provided, single submitter. Criteria: Invitae Variant Classification Sherloc (09022015). Collection method: clinical testing. Allele origin: germline.
Comment: In summary, the available evidence is currently insufficient to determine the role of this variant in disease. Therefore, it has been classified as a Variant of Uncertain Significance. Advanced modeling of protein sequence and biophysical properties (such as structural, functional, and spatial information, amino acid conservation, physicochemical variation, residue mobility, and thermodynamic stability) has been performed at Invitae for this missense variant, however the output from this modeling did not meet the statistical confidence thresholds required to predict the impact of this variant on GAMT protein function. ClinVar contains an entry for this variant (Variation ID: 1960098). This variant has not been reported in the literature in individuals affected with GAMT-related conditions. This variant is not present in population databases (gnomAD no frequency). This sequence change replaces aspartic acid, which is acidic and polar, with valine, which is neutral and non-polar, at codon 93 of the GAMT protein (p.Asp93Val).